The following is an entry in ClinVar:

ClinVar aggregate classification (germline): Conflicting classifications of pathogenicity. Review status: criteria provided, conflicting classifications (1 of 4 stars). 2 submissions from 2 submitters: Uncertain significance (1); Likely benign (1). Last evaluated 2026-01-02.

Conditions:
Congenital contractural arachnodactyly (CCA). Also called: BEALS SYNDROME; Beals-Hecht syndrome; Arthrogryposis, distal, type 9. Identifiers: Orphanet 115, MedGen C0220668, MONDO:0007363, OMIM 121050.
Familial thoracic aortic aneurysm and aortic dissection (TAAD). Also called: Thoracic aortic aneurysms and dissections. Identifiers: Orphanet 91387, MedGen C4707243, MONDO:0019625.

Allele frequency attached by ClinVar (database versions not stated): gnomAD exomes 0.00001; TOPMed 0.00001; ExAC 0.00002.
gnomAD v4.1: 15 of 1,613,966 alleles (0.00093%); highest among the groups gnomAD compares: South Asian, 0.0044%; no homozygotes.

Submissions (2):

Ambry Genetics
Classification: Uncertain significance for Familial thoracic aortic aneurysm and aortic dissection. Last evaluated: 2026-01-02. Review status: criteria provided, single submitter. Criteria: Ambry Variant Classification Scheme 2023. Collection method: clinical testing. Allele origin: germline.
Comment: The p.P1469L variant (also known as c.4406C>T), located in coding exon 34 of the FBN2 gene, results from a C to T substitution at nucleotide position 4406. The proline at codon 1469 is replaced by leucine, an amino acid with similar properties. This amino acid position is conserved. In addition, this alteration is predicted to be deleterious by in silico analysis. Based on the available evidence, the clinical significance of this variant remains unclear.

Labcorp Genetics (formerly Invitae), Labcorp
Classification: Likely benign for Congenital contractural arachnodactyly. Last evaluated: 2025-02-27. Review status: criteria provided, single submitter. Criteria: Invitae Variant Classification Sherloc (09022015). Collection method: clinical testing. Allele origin: germline.

NM_001999.4(FBN2):c.4406C>T (p.Pro1469Leu)

Gene: FBN2 (fibrillin 2; minus strand). Cytogenetic location: 5q23.3.
Variant type: single nucleotide variant.
Coding change: c.4406C>T on transcript NM_001999.4 (MANE Select); coding-DNA position 4406, C replaced by T.
Protein change: p.Pro1469Leu; replaces proline 1469 with leucine.
Molecular consequence: missense variant.
Genome position (GRCh38, 1-based): chr5:128,328,761, G>A on the plus strand (C>T on the coding strand, the complement: FBN2 is on the minus strand). VCF-style: chr5-128328761-G-A. GRCh37 (hg19) VCF-style: chr5-127664453-G-A.
Other names: c.4406C>T (NM_001999.3); short protein forms P1469L.
Identifiers: ClinVar variation 1363099 (VCV001363099.9), dbSNP rs770606176, ClinGen allele CA3394970.